The following is an entry in ClinVar:

ClinVar aggregate classification (germline): Uncertain significance. Review status: criteria provided, multiple submitters, no conflicts (2 of 4 stars). 2 submissions from 2 submitters: Uncertain significance (2). Last evaluated 2025-12-29.

Conditions:
Dilated cardiomyopathy 1JJ (CMD1JJ). Identifiers: Orphanet 154, MedGen C3808935, MONDO:0014095, OMIM 615235.

Allele frequency attached by ClinVar (database versions not stated): gnomAD exomes below 0.00001; gnomAD 0.00001; TOPMed 0.00001.
gnomAD v4.1: 9 of 1,614,024 alleles (0.00056%); highest among the groups gnomAD compares: East Asian, 0.0022%; no homozygotes.

Submissions (2):

Women's Health and Genetics/Laboratory Corporation of America, LabCorp
Classification: Uncertain significance. Last evaluated: 2025-12-29. Review status: criteria provided, single submitter. Criteria: LabCorp Variant Classification Summary - May 2015. Collection method: clinical testing. Allele origin: germline.

Labcorp Genetics (formerly Invitae), Labcorp
Classification: Uncertain significance for Dilated cardiomyopathy 1JJ. Last evaluated: 2023-05-22. Review status: criteria provided, single submitter. Criteria: Invitae Variant Classification Sherloc (09022015). Collection method: clinical testing. Allele origin: germline.
Comment: This variant has not been reported in the literature in individuals affected with LAMA4-related conditions. In summary, the available evidence is currently insufficient to determine the role of this variant in disease. Therefore, it has been classified as a Variant of Uncertain Significance. An algorithm developed to predict the effect of missense changes on protein structure and function (PolyPhen-2) suggests that this variant is likely to be disruptive. This variant is not present in population databases (gnomAD no frequency). This sequence change replaces arginine, which is basic and polar, with tryptophan, which is neutral and slightly polar, at codon 1039 of the LAMA4 protein (p.Arg1039Trp).

NM_001105206.3(LAMA4):c.3136C>T (p.Arg1046Trp)

Gene: LAMA4 (laminin subunit alpha 4; minus strand). Cytogenetic location: 6q21.
Variant type: single nucleotide variant.
Coding change: c.3136C>T on transcript NM_001105206.3 (MANE Select); coding-DNA position 3136, C replaced by T.
Protein change: p.Arg1046Trp; replaces arginine 1046 with tryptophan.
Molecular consequence: missense variant.
Genome position (GRCh38, 1-based): chr6:112,139,266, G>A on the plus strand (C>T on the coding strand, the complement: LAMA4 is on the minus strand). VCF-style: chr6-112139266-G-A. GRCh37 (hg19) VCF-style: chr6-112460468-G-A.
Other names: c.3115C>T, p.Arg1039Trp (NM_001105207.3, NM_002290.5); short protein forms R1039W, R1046W.
Identifiers: ClinVar variation 2918319 (VCV002918319.4), dbSNP rs863223688, ClinGen allele CA365379113.